The following is an entry in ClinVar:

ClinVar aggregate classification (germline): Pathogenic (1 of 4 stars; one submission).

Submission:

Labcorp Genetics (formerly Invitae), Labcorp
Classification: Pathogenic. Last evaluated: 2023-01-19. Review status: criteria provided, single submitter. Criteria: Invitae Variant Classification Sherloc (09022015). Collection method: clinical testing. Allele origin: germline.
Comment: For these reasons, this variant has been classified as Pathogenic. This variant has not been reported in the literature in individuals affected with TG-related conditions. This variant is not present in population databases (gnomAD no frequency). This sequence change creates a premature translational stop signal (p.Leu572Trpfs*24) in the TG gene. It is expected to result in an absent or disrupted protein product. Loss-of-function variants in TG are known to be pathogenic (PMID: 19837936, 23164529).

Literature cited by the submitters: PubMed 19837936; PubMed 23164529.

NM_003235.5(TG):c.1714del (p.Leu572fs)

Gene: TG (thyroglobulin; plus strand). Cytogenetic location: 8q24.22.
Variant type: Deletion.
Coding change: c.1714del on transcript NM_003235.5 (MANE Select); coding-DNA position 1714, one base deleted (C; older notation c.1714delC).
Protein change: p.Leu572fs; shifts the reading frame from leucine 572.
Molecular consequence: frameshift variant.
Genome position (GRCh38, 1-based): chr8:132,887,086, C deleted; the last of 2 consecutive C bases (chr8:132,887,085-132,887,086); deleting either gives the same sequence. VCF-style (leftmost placement, unchanged base first): chr8-132887084-TC-T. GRCh37 (hg19) VCF-style: chr8-133899329-TC-T.
Other names: short protein forms L572fs.
Identifiers: ClinVar variation 2830066 (VCV002830066.3), dbSNP rs2489822333, ClinGen allele CA2579253753.